The following is an entry in ClinVar:

ClinVar aggregate classification (germline): Benign (0 of 4 stars; one submission).

Conditions:
RFC1-related disorder. Also called: RFC1-Related Disorders; RFC1-related condition. Identifiers: MedGen CN382339.

Allele frequency attached by ClinVar (database versions not stated): TOPMed 0.09209; ESP Exome Variant Server 0.09419; 1000 Genomes Project 30x 0.10400; 1000 Genomes Project 0.10683; ExAC 0.11481; gnomAD exomes 0.12467.
gnomAD v4.1: 196,643 of 1,610,082 alleles (12%); highest among the groups gnomAD compares: East Asian, 17%; 13,053 homozygotes.

Submission:

PreventionGenetics, part of Exact Sciences
Classification: Benign for RFC1-related condition. Last evaluated: 2019-10-30. Review status: no assertion criteria provided. Collection method: clinical testing. Allele origin: germline.
Comment: This variant is classified as benign based on ACMG/AMP sequence variant interpretation guidelines (Richards et al. 2015 PMID: 25741868, with internal and published modifications).

NM_002913.5(RFC1):c.2508T>C (p.Ser836=)

Gene: RFC1 (replication factor C subunit 1; minus strand). Cytogenetic location: 4p14.
Variant type: single nucleotide variant.
Coding change: c.2508T>C on transcript NM_002913.5 (MANE Select); coding-DNA position 2508, T replaced by C.
Protein change: p.Ser836=; no amino-acid change (serine 836 retained).
Molecular consequence: synonymous variant.
Genome position (GRCh38, 1-based): chr4:39,302,305, A>G on the plus strand (T>C on the coding strand, the complement: RFC1 is on the minus strand). VCF-style: chr4-39302305-A-G. GRCh37 (hg19) VCF-style: chr4-39303925-A-G.
Other names: c.2511T>C, p.Ser837= (NM_001204747.2); c.2430T>C, p.Ser810= (NM_001363495.2); c.2433T>C, p.Ser811= (NM_001363496.2).
Identifiers: ClinVar variation 3059082 (VCV003059082.2), dbSNP rs2066782, ClinGen allele CA2892830.